The following is an entry in ClinVar:

ClinVar aggregate classification (germline): Uncertain significance (1 of 4 stars; one submission).

Allele frequency attached by ClinVar (database versions not stated): gnomAD exomes 0.00002; ExAC 0.00002.

Submission:

Labcorp Genetics (formerly Invitae), Labcorp
Classification: Uncertain significance. Last evaluated: 2025-09-02. Review status: criteria provided, single submitter. Criteria: Invitae Variant Classification Sherloc (09022015). Collection method: clinical testing. Allele origin: germline.
Comment: This sequence change replaces threonine, which is neutral and polar, with alanine, which is neutral and non-polar, at codon 2679 of the BPTF protein (p.Thr2679Ala). This variant is present in population databases (rs782016693, gnomAD 0.03%). This variant has not been reported in the literature in individuals affected with BPTF-related conditions. ClinVar contains an entry for this variant (Variation ID: 2092293). An algorithm developed to predict the effect of missense changes on protein structure and function outputs the following: PolyPhen-2: "Benign". The alanine amino acid residue is found in multiple mammalian species, which suggests that this missense change does not adversely affect protein function. In summary, the available evidence is currently insufficient to determine the role of this variant in disease. Therefore, it has been classified as a Variant of Uncertain Significance.

NM_182641.4(BPTF):c.8086A>G (p.Thr2696Ala)

Gene: BPTF (bromodomain PHD finger transcription factor; plus strand). Cytogenetic location: 17q24.2.
Variant type: single nucleotide variant.
Coding change: c.8086A>G on transcript NM_182641.4 (MANE Select); coding-DNA position 8086, A replaced by G.
Protein change: p.Thr2696Ala; replaces threonine 2696 with alanine.
Molecular consequence: missense variant.
Genome position (GRCh38, 1-based): chr17:67,959,700, A>G. VCF-style: chr17-67959700-A-G. GRCh37 (hg19) VCF-style: chr17-65955816-A-G.
Other names: c.8035A>G, p.Thr2679Ala (NM_004459.7); short protein forms T2679A, T2696A.
Identifiers: ClinVar variation 2092293 (VCV002092293.4), dbSNP rs782016693, ClinGen allele CA8726523.
Genomic context (GRCh38, chr17:67,959,700, plus strand): 5'-GCTCCTCCAGCCCCTCCAGCCCCTCCACCTTCACCTCCCCCTCCACCTGCTGTGCAACAC[A>G]CAGGCCTTCTGTCCACGCCCACCTTACCTGCTGCTTCCCAGAAGAGGAAGCGGGAAGAGG-3'
Protein context (NP_872579.2, residues 2686-2706): SPPPPPAVQH[Thr2696Ala]GLLSTPTLPA